The following is an entry in ClinVar:

NM_173628.4(DNAH17):c.10692C>T (p.Ala3564=)

Gene: DNAH17 (dynein axonemal heavy chain 17; minus strand). Cytogenetic location: 17q25.3.
Variant type: single nucleotide variant.
Coding change: c.10692C>T on transcript NM_173628.4 (MANE Select); coding-DNA position 10692, C replaced by T.
Protein change: p.Ala3564=; no amino-acid change (alanine 3564 retained).
Molecular consequence: synonymous variant.
Genome position (GRCh38, 1-based): chr17:78,451,511, G>A on the plus strand (C>T on the coding strand, the complement: DNAH17 is on the minus strand). VCF-style: chr17-78451511-G-A. GRCh37 (hg19) VCF-style: chr17-76447593-G-A.
Identifiers: ClinVar variation 3033624 (VCV003033624.3), dbSNP rs546961324, ClinGen allele CA8800750.
Genomic context (GRCh38, chr17:78,451,511, plus strand): 5'-CAAACTTCAGGCCATTACCTTCAGCTGTTCCAGATCTGGGCGCTCTTTGGCCACCACAGC[G>A]GCCAAGAGTTGGTCCTCGAGTCCATCCCTGGTGACCAGGAAGTTGATGAGGGTGCACTGA-3'
Protein context (NP_775899.3, residues 3554-3574): TRDGLEDQLL[Ala3564=]AVVAKERPDL

ClinVar aggregate classification (germline): Likely benign. Review status: criteria provided, single submitter (1 of 4 stars). 2 submissions from 2 submitters: Likely benign (1). 1 of the submissions does not count toward it. Last evaluated 2024-11-21.

Conditions:
DNAH17-related disorder. Also called: DNAH17-related condition.

Allele frequency attached by ClinVar (database versions not stated): ExAC 0.00006; TOPMed 0.00007; gnomAD 0.00010; 1000 Genomes Project 0.00040; 1000 Genomes Project 30x 0.00047.
gnomAD v4.1: 64 of 1,613,654 alleles (0.004%); highest among the groups gnomAD compares: Admixed American, 0.02%; 1 homozygote.

Submissions (2):

Blueprint Genetics
Classification: Likely benign. Last evaluated: 2024-11-21. Review status: criteria provided, single submitter. Criteria: ACMG Guidelines, 2015. Collection method: clinical testing. Allele origin: germline.

PreventionGenetics, part of Exact Sciences
Classification: Likely benign for DNAH17-related condition. Last evaluated: 2019-07-10. Review status: no assertion criteria provided. Collection method: clinical testing. Allele origin: germline. Not counted in ClinVar's aggregate classification.
Comment: This variant is classified as likely benign based on ACMG/AMP sequence variant interpretation guidelines (Richards et al. 2015 PMID: 25741868, with internal and published modifications).